The following is an entry in ClinVar:

ClinVar aggregate classification (germline): Uncertain significance (1 of 4 stars; one submission).

Submission:

Labcorp Genetics (formerly Invitae), Labcorp
Classification: Uncertain significance. Last evaluated: 2022-07-11. Review status: criteria provided, single submitter. Criteria: Invitae Variant Classification Sherloc (09022015). Collection method: clinical testing. Allele origin: germline.
Comment: This sequence change replaces cysteine, which is neutral and slightly polar, with tryptophan, which is neutral and slightly polar, at codon 154 of the WNT5A protein (p.Cys154Trp). This variant is not present in population databases (gnomAD no frequency). In summary, the available evidence is currently insufficient to determine the role of this variant in disease. Therefore, it has been classified as a Variant of Uncertain Significance. This missense change has been observed in individual(s) with clinical features of Robinow syndrome (Invitae). ClinVar contains an entry for this variant (Variation ID: 1361231). Algorithms developed to predict the effect of missense changes on protein structure and function are either unavailable or do not agree on the potential impact of this missense change (SIFT: "Deleterious"; PolyPhen-2: "Probably Damaging"; Align-GVGD: "Class C15").

NM_003392.7(WNT5A):c.462C>G (p.Cys154Trp)

Gene: WNT5A (Wnt family member 5A; minus strand). Cytogenetic location: 3p14.3.
Variant type: single nucleotide variant.
Coding change: c.462C>G on transcript NM_003392.7 (MANE Select); coding-DNA position 462, C replaced by G.
Protein change: p.Cys154Trp; replaces cysteine 154 with tryptophan.
Molecular consequence: missense variant.
Genome position (GRCh38, 1-based): chr3:55,474,559, G>C on the plus strand (C>G on the coding strand, the complement: WNT5A is on the minus strand). VCF-style: chr3-55474559-G-C. GRCh37 (hg19) VCF-style: chr3-55508587-G-C.
Other names: c.417C>G, p.Cys139Trp (NM_001256105.1, NM_001377271.1, NM_001377272.1); short protein forms C139W, C154W.
Identifiers: ClinVar variation 1361231 (VCV001361231.8), dbSNP rs2106917096, ClinGen allele CA353275633.
Genomic context (GRCh38, chr3:55,474,559, plus strand): 5'-CGGCAGGTCCTTGGGGCGCGCGGCGCGGCTGCAGCCGCAGGTGGACAGCTCGCCCTCGCG[G>C]CACGCCCGGCTCATGGCGTTCACCACCCCTGCTGCGCTCACCGCGTATGTGAAGGCCGTC-3'
Protein context (NP_003383.4, residues 144-164): AGVVNAMSRA[Cys154Trp]REGELSTCGC